The following is an entry in ClinVar:

NM_003896.4(ST3GAL5):c.83-4120C>A

Gene: ST3GAL5 (ST3 beta-galactoside alpha-2,3-sialyltransferase 5; minus strand). Cytogenetic location: 2p11.2.
Variant type: single nucleotide variant.
Coding change: c.83-4120C>A on transcript NM_003896.4 (MANE Select); 4120 bases into the intron before coding-DNA position 83, C replaced by A.
Molecular consequence: intron variant. On other transcripts: missense variant (1).
Genome position (GRCh38, 1-based): chr2:85,867,605, G>T on the plus strand (C>A on the coding strand, the complement: ST3GAL5 is on the minus strand). VCF-style: chr2-85867605-G-T. GRCh37 (hg19) VCF-style: chr2-86094728-G-T.
Other names: c.13C>A, p.Pro5Thr (NM_001042437.2); c.-479-4120C>A (NM_001354226.2); c.-919-4120C>A (NM_001354233.2); c.-542-4120C>A (NM_001354224.2); c.-3+2467C>A (NM_001354227.2); c.-480+240C>A (NM_001354223.2); c.-2-4120C>A (NM_001354229.2, NM_001354238.1); c.83-4120C>A (NM_001363847.1); and 1 more; short protein forms P5T.
Identifiers: ClinVar variation 2651096 (VCV002651096.24), dbSNP rs201747823, ClinGen allele CA1745191.

ClinVar aggregate classification (germline): Benign (1 of 4 stars; one submission).

Allele frequency attached by ClinVar (database versions not stated): 1000 Genomes Project 0.00260; 1000 Genomes Project 30x 0.00265.
gnomAD v4.1: 992 of 780,936 alleles (0.13%); highest among the groups gnomAD compares: South Asian, 1.3%; 18 homozygotes.

Submission:

CeGaT Center for Human Genetics Tuebingen
Classification: Benign. Last evaluated: 2022-07-01. Review status: criteria provided, single submitter. Criteria: CeGaT Center For Human Genetics Tuebingen Variant Classification Criteria Version 2. Collection method: clinical testing. Allele origin: germline. Affected: yes. Observed: 1 variant allele.
Comment: ST3GAL5: BP4, BS1, BS2